The following is an entry in ClinVar:

ClinVar aggregate classification (germline): Uncertain significance (1 of 4 stars; one submission).

Conditions:
Hereditary cancer-predisposing syndrome. Also called: Neoplastic Syndromes, Hereditary; Tumor predisposition; Hereditary Cancer Syndrome; Hereditary neoplastic syndrome. Identifiers: Orphanet 140162, MedGen C0027672, MeSH D009386, MONDO:0015356.

Submission:

Ambry Genetics
Classification: Uncertain significance for Hereditary cancer-predisposing syndrome. Last evaluated: 2025-10-09. Review status: criteria provided, single submitter. Criteria: Ambry Variant Classification Scheme 2023. Collection method: clinical testing. Allele origin: germline.
Comment: The c.2340delC variant, located in coding exon 18 of the POLD1 gene, results from a deletion of one nucleotide at nucleotide position 2340, causing a translational frameshift with a predicted alternate stop codon (p.W781Gfs*107). This alteration is expected to result in protein truncation or nonsense-mediated mRNA decay. However, loss of function has not been established as a mechanism of disease. Based on the available evidence, the clinical significance of this alteration remains unclear.

NM_002691.4(POLD1):c.2340del (p.Trp781fs)

Gene: POLD1 (DNA polymerase delta 1, catalytic subunit; plus strand). Cytogenetic location: 19q13.33.
Variant type: Deletion.
Coding change: c.2340del on transcript NM_002691.4 (MANE Select); coding-DNA position 2340, one base deleted (C; older notation c.2340delC).
Protein change: p.Trp781fs; shifts the reading frame from tryptophan 781.
Molecular consequence: frameshift variant. On other transcripts: non-coding transcript variant (1).
Genome position (GRCh38, 1-based): chr19:50,413,831, C deleted. VCF-style (leftmost placement, unchanged base first): chr19-50413830-AC-A. GRCh37 (hg19) VCF-style: chr19-50917087-AC-A.
Other names: c.2340del, p.Trp781fs (NM_001256849.1, NM_001438212.1, NM_001438213.1); c.2418del, p.Trp807fs (NM_001308632.1); c.2268del, p.Trp757fs (NM_001438210.1, NM_001438211.1); short protein forms W781fs, W757fs, W807fs.
Identifiers: ClinVar variation 4668930 (VCV004668930.1).